The following is an entry in ClinVar:

NM_004369.4(COL6A3):c.964A>G (p.Ile322Val)

Gene: COL6A3 (collagen type VI alpha 3 chain; minus strand). Cytogenetic location: 2q37.3.
Variant type: single nucleotide variant.
Coding change: c.964A>G on transcript NM_004369.4 (MANE Select); coding-DNA position 964, A replaced by G.
Protein change: p.Ile322Val; replaces isoleucine 322 with valine.
Molecular consequence: missense variant. On other transcripts: intron variant (2).
Genome position (GRCh38, 1-based): chr2:237,387,930, T>C on the plus strand (A>G on the coding strand, the complement: COL6A3 is on the minus strand). VCF-style: chr2-237387930-T-C. GRCh37 (hg19) VCF-style: chr2-238296573-T-C.
Other names: c.346A>G, p.Ile116Val (NM_057165.5, NM_057167.4); c.92-6431A>G (NM_057166.5, NM_057164.5); short protein forms I322V, I116V.
Identifiers: ClinVar variation 2823820 (VCV002823820.3), dbSNP rs2469948929, ClinGen allele CA351222746.
Genomic context (GRCh38, chr2:237,387,930, plus strand): 5'-CGCGGCTGCCCCCTGCCCGGGTGAAGTGGTTCTCCACCACGAAATCAAGGGCGAGGCCGA[T>C]ATTGGCCAACTCCCCACCAGCAAACCCGAGGGCTTTCACTGCACCCAGAACCTGGGCCTT-3'
Protein context (NP_004360.2, residues 312-332): LGFAGGELAN[Ile322Val]GLALDFVVEN

ClinVar aggregate classification (germline): Uncertain significance (1 of 4 stars; one submission).

Conditions:
Bethlem myopathy 1A. Also called: Bethlem myopathy 1; MYOPATHY, BENIGN CONGENITAL, WITH CONTRACTURES; Bethlem Muscular Dystrophy. Identifiers: Orphanet 610, MedGen CN029274, MONDO:0024530, OMIM 158810.

Submission:

Labcorp Genetics (formerly Invitae), Labcorp
Classification: Uncertain significance for Bethlem myopathy 1A. Last evaluated: 2023-01-17. Review status: criteria provided, single submitter. Criteria: Invitae Variant Classification Sherloc (09022015). Collection method: clinical testing. Allele origin: germline.
Comment: This sequence change replaces isoleucine, which is neutral and non-polar, with valine, which is neutral and non-polar, at codon 322 of the COL6A3 protein (p.Ile322Val). This variant is not present in population databases (gnomAD no frequency). This variant has not been reported in the literature in individuals affected with COL6A3-related conditions. Advanced modeling of protein sequence and biophysical properties (such as structural, functional, and spatial information, amino acid conservation, physicochemical variation, residue mobility, and thermodynamic stability) performed at Invitae indicates that this missense variant is not expected to disrupt COL6A3 protein function. In summary, the available evidence is currently insufficient to determine the role of this variant in disease. Therefore, it has been classified as a Variant of Uncertain Significance.